The following is an entry in ClinVar:

NM_001166108.2(PALLD):c.1965-12573C>T

Gene: PALLD (palladin, cytoskeletal associated protein; plus strand). Cytogenetic location: 4q32.3.
Variant type: single nucleotide variant.
Coding change: c.1965-12573C>T on transcript NM_001166108.2 (MANE Select); 12573 bases into the intron before coding-DNA position 1965, C replaced by T.
Molecular consequence: intron variant. On other transcripts: missense variant (1).
Genome position (GRCh38, 1-based): chr4:168,878,349, C>T. VCF-style: chr4-168878349-C-T. GRCh37 (hg19) VCF-style: chr4-169799500-C-T.
Other names: c.458C>T, p.Pro153Leu (NM_001166110.2); c.1965-12573C>T (NM_016081.4); c.819-12573C>T (NM_001166109.2); c.-157-12573C>T (NM_001367570.1, NM_001367568.1, NM_001367567.1 and 1 more transcripts); short protein forms P153L.
Identifiers: ClinVar variation 3413677 (VCV003413677.1).
Genomic context (GRCh38, chr4:168,878,349, plus strand): 5'-TCGGCCACAGCCAGACGCCCGCGGCCTTCCTCAGCGCTCTGCTGCCCTCGCAGCCGCCGC[C>T]GGCGGCCGTCAACGCCCTGGGGCTGCCCAAGGGTGTCACCCCCGCGTGAGTAACCGCCGC-3'

ClinVar aggregate classification (germline): Uncertain significance (1 of 4 stars; one submission).

gnomAD v4.1: 13 of 1,519,562 alleles (0.00086%); highest among the groups gnomAD compares: East Asian, 0.0076%; no homozygotes.

Submission:

Ambry Genetics
Classification: Uncertain significance. Last evaluated: 2024-12-05. Review status: criteria provided, single submitter. Criteria: Ambry Variant Classification Scheme 2023. Collection method: clinical testing. Allele origin: germline.
Comment: The p.P153L variant (also known as c.458C>T), located in coding exon 1 of the PALLD gene, results from a C to T substitution at nucleotide position 458. The proline at codon 153 is replaced by leucine, an amino acid with similar properties. This amino acid position is conserved. In addition, this alteration is predicted to be tolerated by in silico analysis. Based on the available evidence, the clinical significance of this variant remains unclear.